The following is an entry in ClinVar:

NM_001555.5(IGSF1):c.781A>T (p.Arg261Trp)

Gene: IGSF1 (immunoglobulin superfamily member 1; minus strand). Cytogenetic location: Xq26.1.
Variant type: single nucleotide variant.
Coding change: c.781A>T on transcript NM_001555.5 (MANE Select); coding-DNA position 781, A replaced by T.
Protein change: p.Arg261Trp; replaces arginine 261 with tryptophan.
Molecular consequence: missense variant.
Genome position (GRCh38, 1-based): chrX:131,283,151, T>A on the plus strand (A>T on the coding strand, the complement: IGSF1 is on the minus strand). VCF-style: chrX-131283151-T-A. GRCh37 (hg19) VCF-style: chrX-130417125-T-A.
Other names: NC_000023.10:g.130417125T>A; c.781A>T, p.Arg261Trp (NM_001170961.2); c.754A>T, p.Arg252Trp (NM_001170962.2); short protein forms R252W, R261W.
Identifiers: ClinVar variation 2661446 (VCV002661446.25), dbSNP rs2522264044, ClinGen allele CA414579518.

ClinVar aggregate classification (germline): Uncertain significance (1 of 4 stars; one submission).

Submissions (2):

CeGaT Center for Human Genetics Tuebingen
Classification: Uncertain significance. Last evaluated: 2023-01-01. Review status: criteria provided, single submitter. Criteria: CeGaT Center For Human Genetics Tuebingen Variant Classification Criteria Version 2. Collection method: clinical testing. Allele origin: germline. Affected: yes. Observed: 1 variant allele.
Comment: IGSF1: PM2, BP4

Dr. Peter K. Rogan Lab, Western University
No classification provided (evidence only). Condition: Thyroid cancer, nonmedullary, 1. Review status: no classification provided. Collection method: in vitro. Allele origin: not applicable. Functional consequence: retained intron. Not counted in ClinVar's aggregate classification.